The following is an entry in ClinVar:

ClinVar aggregate classification (germline): Uncertain significance. Review status: criteria provided, multiple submitters, no conflicts (2 of 4 stars). 4 submissions from 4 submitters: Uncertain significance (3). 1 of the submissions does not count toward it. Last evaluated 2025-10-13.

Conditions:
Familial dysautonomia. Also called: HSAN III; FD. Identifiers: Orphanet 1764, MedGen C0013364, MONDO:0009131, OMIM 223900. Disease mechanism: loss of function.
Medulloblastoma (MDB). Also called: Medulloblastoma, somatic; MEDULLOBLASTOMA PREDISPOSITION SYNDROME. Identifiers: Orphanet 616, MedGen C0025149, MeSH D008527, MONDO:0007959, OMIM 155255, HP:0002885.

Allele frequency attached by ClinVar (database versions not stated): gnomAD exomes below 0.00001 and 0.00001; TOPMed below 0.00001; ExAC 0.00001; gnomAD 0.00001; ESP Exome Variant Server 0.00008.
gnomAD v4.1: 4 of 1,612,748 alleles (0.00025%); highest among the groups gnomAD compares: Non-Finnish European, 0.00034%; no homozygotes.

Submissions (4):

Labcorp Genetics (formerly Invitae), Labcorp
Classification: Uncertain significance. Last evaluated: 2025-10-13. Review status: criteria provided, single submitter. Criteria: Invitae Variant Classification Sherloc (09022015). Collection method: clinical testing. Allele origin: germline.
Comment: This sequence change replaces proline, which is neutral and non-polar, with serine, which is neutral and polar, at codon 142 of the ELP1 protein (p.Pro142Ser). The frequency data for this variant in the population databases is considered unreliable, as metrics indicate poor data quality at this position in the gnomAD database. This variant has not been reported in the literature in individuals affected with ELP1-related conditions. ClinVar contains an entry for this variant (Variation ID: 647507). Invitae Evidence Modeling of protein sequence and biophysical properties (such as structural, functional, and spatial information, amino acid conservation, physicochemical variation, residue mobility, and thermodynamic stability) indicates that this missense variant is expected to disrupt ELP1 protein function with a positive predictive value of 80%. In summary, the available evidence is currently insufficient to determine the role of this variant in disease. Therefore, it has been classified as a Variant of Uncertain Significance.

Fulgent Genetics
Classification: Uncertain significance for Medulloblastoma; Familial dysautonomia. Last evaluated: 2024-01-09. Review status: criteria provided, single submitter. Criteria: ACMG Guidelines, 2015. Collection method: clinical testing. Allele origin: germline.

Ambry Genetics
Classification: Uncertain significance. Last evaluated: 2021-06-14. Review status: criteria provided, single submitter. Criteria: Ambry Variant Classification Scheme 2023. Collection method: clinical testing. Allele origin: germline.
Comment: The p.P142S variant (also known as c.424C>T), located in coding exon 4 of the IKBKAP gene, results from a C to T substitution at nucleotide position 424. The proline at codon 142 is replaced by serine, an amino acid with similar properties. This amino acid position is well conserved in available vertebrate species. In addition, this alteration is predicted to be tolerated by in silico analysis. Since supporting evidence is limited at this time, the clinical significance of this alteration remains unclear.

Natera, Inc.
Classification: Uncertain significance for Familial dysautonomia. Last evaluated: 2020-07-29. Review status: no assertion criteria provided. Collection method: clinical testing. Allele origin: germline. Not counted in ClinVar's aggregate classification.

NM_003640.5(ELP1):c.424C>T (p.Pro142Ser)

Gene: ELP1 (elongator acetyltransferase complex subunit 1; minus strand). Cytogenetic location: 9q31.3.
Variant type: single nucleotide variant.
Coding change: c.424C>T on transcript NM_003640.5 (MANE Select); coding-DNA position 424, C replaced by T.
Protein change: p.Pro142Ser; replaces proline 142 with serine.
Molecular consequence: missense variant. On other transcripts: 5 prime UTR variant (1).
Genome position (GRCh38, 1-based): chr9:108,926,565, G>A on the plus strand (C>T on the coding strand, the complement: ELP1 is on the minus strand). VCF-style: chr9-108926565-G-A. GRCh37 (hg19) VCF-style: chr9-111688845-G-A.
Other names: c.82C>T, p.Pro28Ser (NM_001318360.2); c.-436C>T (NM_001330749.2); c.424C>T (LRG_251t1); short protein forms P28S, P142S.
Identifiers: ClinVar variation 647507 (VCV000647507.10), dbSNP rs370034421, ClinGen allele CA5175365.